The following is an entry in ClinVar:

NM_014846.4(WASHC5):c.-245C>G

Genes: WASHC5 (WASH complex subunit 5; minus strand), LOC130001093 (ATAC-STARR-seq lymphoblastoid active region 27899; plus strand). Cytogenetic location: 8q24.13.
Variant type: single nucleotide variant.
Coding change: c.-245C>G on transcript NM_014846.4 (MANE Select); 245 bases upstream of the start codon, C replaced by G.
Molecular consequence: 5 prime UTR variant.
Genome position (GRCh38, 1-based): chr8:125,091,735, G>C on the plus strand (C>G on the coding strand, the complement: WASHC5 is on the minus strand). VCF-style: chr8-125091735-G-C. GRCh37 (hg19) VCF-style: chr8-126103977-G-C.
Other names: c.-379C>G (NM_001330609.2).
Identifiers: ClinVar variation 361743 (VCV000361743.5), dbSNP rs185375174, ClinGen allele CA10626952.
Genomic context (GRCh38, chr8:125,091,735, plus strand): 5'-ACCCAGTTTCCACCCCTCCCTCAAGGCGGCGGTCCTCTTCTATCCGCAGTCCCGGACCTG[G>C]AGCGGGTCAGACCCCGACTTCCGCCCCTGACTCCCCAGGCGGTCACATGACCGAAGCGGC-3'

ClinVar aggregate classification (germline): Benign (1 of 4 stars; one submission).

Conditions:
Hereditary spastic paraplegia 8 (SPG8). Also called: SPASTIC PARAPLEGIA 8, AUTOSOMAL DOMINANT. Identifiers: Orphanet 100989, MedGen C1863704, MONDO:0011339, OMIM 603563.

Allele frequency attached by ClinVar (database versions not stated): gnomAD 0.00277; TOPMed 0.00757; 1000 Genomes Project 0.01558; 1000 Genomes Project 30x 0.01765.

Submission:

Illumina Laboratory Services, Illumina
Classification: Benign for Hereditary spastic paraplegia 8. Last evaluated: 2018-01-12. Review status: criteria provided, single submitter. Criteria: ICSL Variant Classification Criteria 13 December 2019. Collection method: clinical testing. Allele origin: germline.
Comment: This variant was observed in the ICSL laboratory as part of a predisposition screen in an ostensibly healthy population. It had not been previously curated by ICSL or reported in the Human Gene Mutation Database (HGMD: prior to June 1st, 2018), and was therefore a candidate for classification through an automated scoring system. Utilizing variant allele frequency, disease prevalence and penetrance estimates, and inheritance mode, an automated score was calculated to assess if this variant is too frequent to cause the disease. Based on the score and internal cut-off values, a variant classified as benign is not then subjected to further curation. The score for this variant resulted in a classification of benign for this disease.